The following is an entry in ClinVar:

NM_001378615.1(CC2D2A):c.1684G>T (p.Glu562Ter)

Genes: FBXL5 (F-box and leucine rich repeat protein 5; minus strand), CC2D2A (coiled-coil and C2 domain containing 2A; plus strand). Cytogenetic location: 4p15.32.
Variant type: single nucleotide variant.
Coding change: c.1684G>T on transcript NM_001378615.1 (MANE Select); coding-DNA position 1684, G replaced by T.
Protein change: p.Glu562Ter; replaces glutamic acid 562 with a stop codon.
Molecular consequence: nonsense.
Genome position (GRCh38, 1-based): chr4:15,536,996, G>T. VCF-style: chr4-15536996-G-T. GRCh37 (hg19) VCF-style: chr4-15538619-G-T.
Other names: c.1684G>T, p.Glu562Ter (NM_001080522.2); c.1537G>T, p.Glu513Ter (NM_001378617.1); short protein forms E513*, E562*.
Identifiers: ClinVar variation 2947395 (VCV002947395.3), dbSNP rs1008514114, ClinGen allele CA356411332.

ClinVar aggregate classification (germline): Pathogenic (1 of 4 stars; one submission).

Conditions:
Joubert syndrome. Also called: JOUBERT-BOLTSHAUSER SYNDROME; Familial aplasia of the vermis. Identifiers: Orphanet 475, MedGen C5979921, MONDO:0018772.
Meckel-Gruber syndrome. Also called: DYSENCEPHALIA SPLANCHNOCYSTICA; GRUBER SYNDROME; Dysencephalia splachnocystica. Identifiers: Orphanet 564, MedGen C0265215, MONDO:0018921.

Submission:

Labcorp Genetics (formerly Invitae), Labcorp
Classification: Pathogenic for Joubert syndrome; Meckel-Gruber syndrome. Last evaluated: 2023-09-10. Review status: criteria provided, single submitter. Criteria: Invitae Variant Classification Sherloc (09022015). Collection method: clinical testing. Allele origin: germline.
Comment: For these reasons, this variant has been classified as Pathogenic. Algorithms developed to predict the effect of sequence changes on RNA splicing suggest that this variant may disrupt the consensus splice site. This variant has not been reported in the literature in individuals affected with CC2D2A-related conditions. This variant is not present in population databases (gnomAD no frequency). This sequence change creates a premature translational stop signal (p.Glu562*) in the CC2D2A gene. It is expected to result in an absent or disrupted protein product. Loss-of-function variants in CC2D2A are known to be pathogenic (PMID: 19777577).

Literature cited by the submitters: PubMed 19777577.